The following is an entry in ClinVar:

NM_001267550.2(TTN):c.81923T>C (p.Val27308Ala)

Genes: TTN (titin; minus strand), TTN-AS1 (TTN antisense RNA 1; plus strand). Cytogenetic location: 2q31.2.
Variant type: single nucleotide variant.
Coding change: c.81923T>C on transcript NM_001267550.2 (MANE Select); coding-DNA position 81923, T replaced by C.
Protein change: p.Val27308Ala; replaces valine 27308 with alanine.
Molecular consequence: missense variant.
Genome position (GRCh38, 1-based): chr2:178,564,209, A>G on the plus strand (T>C on the coding strand, the complement: TTN is on the minus strand). VCF-style: chr2-178564209-A-G. GRCh37 (hg19) VCF-style: chr2-179428936-A-G.
Other names: p.V25667A:GTT>GCT; c.77000T>C, p.Val25667Ala (NM_001256850.1); c.54728T>C, p.Val18243Ala (NM_003319.4); c.74219T>C, p.Val24740Ala (NM_133378.4); c.55103T>C, p.Val18368Ala (NM_133432.3); c.55304T>C, p.Val18435Ala (NM_133437.4); short protein forms V25667A, V27308A, V18243A, V24740A, V18435A, V18368A.
Identifiers: ClinVar variation 202910 (VCV000202910.2), dbSNP rs794729513, ClinGen allele CA310662.

ClinVar aggregate classification (germline): Uncertain significance (1 of 4 stars; one submission).

Submission:

GeneDx
Classification: Uncertain significance. Last evaluated: 2014-09-29. Review status: criteria provided, single submitter. Criteria: GeneDx Variant Classification (06012015). Collection method: clinical testing. Allele origin: germline. Affected: yes.
Comment: Missense variants in the TTN gene are considered 'unclassified' if they are not previously reported in the literature and do not have >1% frequency in the population to be considered a polymorphism. Research indicates that truncating mutations in the TTN gene are expected to account for approximately 25% of familial and 18% of sporadic idiopathic DCM; however, truncating variants in the TTN gene have been reported in approximately 3% of reported control alleles. There has been little investigation into non-truncating variants. (Herman D et al. Truncations of titin causing dilated cardiomyopathy. N Eng J Med 366:619-628, 2012) The variant is found in CARDIOMYOPATHY panel(s).